The following is an entry in ClinVar:

ClinVar aggregate classification (germline): Likely benign (1 of 4 stars; one submission).

Allele frequency attached by ClinVar (database versions not stated): gnomAD 0.00001 and 0.00003; TOPMed 0.00001.

Submission:

GeneDx
Classification: Likely benign. Last evaluated: 2017-07-21. Review status: criteria provided, single submitter. Criteria: GeneDx Variant Classification (06012015). Collection method: clinical testing. Allele origin: germline. Affected: yes.
Comment: This variant is considered likely benign or benign based on one or more of the following criteria: it is a conservative change, it occurs at a poorly conserved position in the protein, it is predicted to be benign by multiple in silico algorithms, and/or has population frequency not consistent with disease.

NM_001191061.2(SLC25A22):c.-163-884C>T

Gene: SLC25A22 (solute carrier family 25 member 22; minus strand). Cytogenetic location: 11p15.5.
Variant type: single nucleotide variant.
Coding change: c.-163-884C>T on transcript NM_001191061.2 (MANE Select); 884 bases into the intron before 163 bases upstream of the start codon, C replaced by T.
Molecular consequence: intron variant. On other transcripts: 5 prime UTR variant (1).
Genome position (GRCh38, 1-based): chr11:796,053, G>A on the plus strand (C>T on the coding strand, the complement: SLC25A22 is on the minus strand). VCF-style: chr11-796053-G-A. GRCh37 (hg19) VCF-style: chr11-796053-G-A.
Other names: c.-174C>T (NM_024698.6); c.-163-884C>T (NM_001191060.2).
Identifiers: ClinVar variation 207175 (VCV000207175.1), dbSNP rs796053243, ClinGen allele CA318401.